The following is an entry in ClinVar:

NM_001365999.1(SZT2):c.8826C>T (p.Ser2942=)

Gene: SZT2 (SZT2 subunit of KICSTOR complex; plus strand). Cytogenetic location: 1p34.2.
Variant type: single nucleotide variant.
Coding change: c.8826C>T on transcript NM_001365999.1 (MANE Select); coding-DNA position 8826, C replaced by T.
Protein change: p.Ser2942=; no amino-acid change (serine 2942 retained).
Molecular consequence: synonymous variant.
Genome position (GRCh38, 1-based): chr1:43,445,894, C>T. VCF-style: chr1-43445894-C-T. GRCh37 (hg19) VCF-style: chr1-43911565-C-T.
Other names: c.8655C>T, p.Ser2885= (NM_015284.4); c.267C>T, p.Ser89= (NM_024547.1).
Identifiers: ClinVar variation 2882390 (VCV002882390.3), dbSNP rs760020999, ClinGen allele CA810716.
Genomic context (GRCh38, chr1:43,445,894, plus strand): 5'-TCACCATGACTGCATGCCACTAGCCTGCCTCATCCTCTTATCCCTCCTCCTTTTCTATAG[C>T]ACCAGCCGGCCACGGGCCATGGCTATCCTTGGAACAGAGGGTCGAGGCTCCTTCTCCTGC-3'
Protein context (NP_001352928.1, residues 2932-2952): VPLRPPSPAR[Ser2942=]TSRPRAMAIL

ClinVar aggregate classification (germline): Uncertain significance (1 of 4 stars; one submission).

Allele frequency attached by ClinVar (database versions not stated): gnomAD exomes below 0.00001; ExAC 0.00001.
gnomAD v4.1: 4 of 1,614,200 alleles (0.00025%); highest among the groups gnomAD compares: Admixed American, 0.0017%; no homozygotes.

Submission:

Labcorp Genetics (formerly Invitae), Labcorp
Classification: Uncertain significance. Last evaluated: 2023-08-21. Review status: criteria provided, single submitter. Criteria: Invitae Variant Classification Sherloc (09022015). Collection method: clinical testing. Allele origin: germline.
Comment: This sequence change affects codon 2885 of the SZT2 mRNA. It is a 'silent' change, meaning that it does not change the encoded amino acid sequence of the SZT2 protein. It affects a nucleotide within the consensus splice site. This variant is present in population databases (rs760020999, gnomAD 0.003%). This variant has not been reported in the literature in individuals affected with SZT2-related conditions. Algorithms developed to predict the effect of sequence changes on RNA splicing suggest that this variant is not likely to affect RNA splicing. In summary, the available evidence is currently insufficient to determine the role of this variant in disease. Therefore, it has been classified as a Variant of Uncertain Significance.